The following is an entry in ClinVar:

NM_173628.4(DNAH17):c.12882G>A (p.Ala4294=)

Gene: DNAH17 (dynein axonemal heavy chain 17; minus strand). Cytogenetic location: 17q25.3.
Variant type: single nucleotide variant.
Coding change: c.12882G>A on transcript NM_173628.4 (MANE Select); coding-DNA position 12882, G replaced by A.
Protein change: p.Ala4294=; no amino-acid change (alanine 4294 retained).
Molecular consequence: synonymous variant.
Genome position (GRCh38, 1-based): chr17:78,426,490, C>T on the plus strand (G>A on the coding strand, the complement: DNAH17 is on the minus strand). VCF-style: chr17-78426490-C-T. GRCh37 (hg19) VCF-style: chr17-76422571-C-T.
Identifiers: ClinVar variation 3031008 (VCV003031008.3), dbSNP rs535467700, ClinGen allele CA8799794.

ClinVar aggregate classification (germline): Likely benign. Review status: criteria provided, single submitter (1 of 4 stars). 2 submissions from 2 submitters: Likely benign (1). 1 of the submissions does not count toward it. Last evaluated 2024-11-06.

Conditions:
DNAH17-related disorder. Also called: DNAH17-related condition.

Allele frequency attached by ClinVar (database versions not stated): TOPMed 0.00001; gnomAD 0.00006; ExAC 0.00029.
gnomAD v4.1: 280 of 1,612,338 alleles (0.017%); highest among the groups gnomAD compares: South Asian, 0.21%; no homozygotes.

Submissions (2):

Blueprint Genetics
Classification: Likely benign. Last evaluated: 2024-11-06. Review status: criteria provided, single submitter. Criteria: ACMG Guidelines, 2015. Collection method: clinical testing. Allele origin: germline.

PreventionGenetics, part of Exact Sciences
Classification: Likely benign for DNAH17-related condition. Last evaluated: 2022-12-28. Review status: no assertion criteria provided. Collection method: clinical testing. Allele origin: germline. Not counted in ClinVar's aggregate classification.
Comment: This variant is classified as likely benign based on ACMG/AMP sequence variant interpretation guidelines (Richards et al. 2015 PMID: 25741868, with internal and published modifications).